The following is an entry in ClinVar:

ClinVar aggregate classification (germline): Conflicting classifications of pathogenicity. Review status: criteria provided, conflicting classifications (1 of 4 stars). 3 submissions from 3 submitters: Uncertain significance (1); Benign (1); Likely benign (1). Last evaluated 2025-08-10.

Conditions:
Alpha thalassemia-X-linked intellectual disability syndrome (ATRX). Also called: ATR-X syndrome; Alpha thalassemia mental retardation syndrome, nondeletion type, X-linked; XLMR hypotonic face syndrome; X-linked alpha-thalassemia-mental retardation syndrome; ALPHA-THALASSEMIA/IMPAIRED INTELLECTUAL DEVELOPMENT SYNDROME, X-LINKED; ALPHA-THALASSEMIA/MENTAL RETARDATION SYNDROME, X-LINKED. Identifiers: Orphanet 847, MedGen C1845055, MONDO:0010519, OMIM 301040.
Intellectual disability-hypotonic facies syndrome, X-linked, 1 (MRXHF1). Also called: CHUDLEY-LOWRY SYNDROME; Chudley syndrome 1; Chudley-Lowry-Hoar syndrome; Carpenter-Waziri syndrome; Smith Fineman Myers syndrome 1; HOLMES-GANG SYNDROME. Identifiers: Orphanet 73220, Orphanet 93970, Orphanet 93971, Orphanet 93972, Orphanet 93973, Orphanet 93974, Orphanet 93975, MedGen C4759781, MONDO:0010663, OMIM 309580.

Submissions (3):

Labcorp Genetics (formerly Invitae), Labcorp
Classification: Benign for Alpha thalassemia-X-linked intellectual disability syndrome. Last evaluated: 2025-08-10. Review status: criteria provided, single submitter. Criteria: Invitae Variant Classification Sherloc (09022015). Collection method: clinical testing. Allele origin: germline.

3billion
Classification: Likely benign for Alpha thalassemia-X-linked intellectual disability syndrome; Intellectual disability-hypotonic facies syndrome, X-linked, 1. Last evaluated: 2024-09-20. Review status: criteria provided, single submitter. Criteria: ACMG Guidelines, 2015. Collection method: clinical testing. Allele origin: germline. Affected: no.
Comment: The hemizygous variant was found in patients with no symptoms related to the gene containing the hemizygous variant.

Women's Health and Genetics/Laboratory Corporation of America, LabCorp
Classification: Uncertain significance. Last evaluated: 2023-04-27. Review status: criteria provided, single submitter. Criteria: LabCorp Variant Classification Summary - May 2015. Collection method: clinical testing. Allele origin: germline.
Comment: Variant summary: ATRX c.1186A>C (p.Lys396Gln) results in a conservative amino acid change in the encoded protein sequence. Three of five in-silico tools predict a damaging effect of the variant on protein function. The variant was absent in 181979 control chromosomes. The available data on variant occurrences in the general population are insufficient to allow any conclusion about variant significance. c.1186A>C has been identified as de novo in the literature in a terminated fetus with periventricular pseudocysts (Yaron_2022). This report does not provide unequivocal conclusions about association of the variant with ATR-X Syndrome. To our knowledge, no experimental evidence demonstrating an impact on protein function has been reported. The following publications have been ascertained in the context of this evaluation (PMID: 35229910). One clinical diagnostic laboratory has submitted clinical-significance assessments for this variant to ClinVar after 2014 and classified the variant as uncertain significance. Based on the evidence outlined above, the variant was classified as uncertain significance.

Literature cited by the submitters: PubMed 35229910 (cited by Women's Health and Genetics/Laboratory Corporation of America, LabCorp).

NM_000489.6(ATRX):c.1186A>C (p.Lys396Gln)

Gene: ATRX (ATRX chromatin remodeler; minus strand). Cytogenetic location: Xq21.1.
Variant type: single nucleotide variant.
Coding change: c.1186A>C on transcript NM_000489.6 (MANE Select); coding-DNA position 1186, A replaced by C.
Protein change: p.Lys396Gln; replaces lysine 396 with glutamine.
Molecular consequence: missense variant.
Genome position (GRCh38, 1-based): chrX:77,684,070, T>G on the plus strand (A>C on the coding strand, the complement: ATRX is on the minus strand). VCF-style: chrX-77684070-T-G. GRCh37 (hg19) VCF-style: chrX-76939562-T-G.
Other names: c.1186A>C (NM_000489.4); c.1072A>C, p.Lys358Gln (NM_138270.5); short protein forms K358Q, K396Q.
Identifiers: ClinVar variation 1362247 (VCV001362247.6), dbSNP rs2071415045, ClinGen allele CA413719166.